The following is an entry in ClinVar:

NM_004612.4(TGFBR1):c.1135A>G (p.Met379Val)

Gene: TGFBR1 (transforming growth factor beta receptor 1; plus strand). Cytogenetic location: 9q22.33.
Variant type: single nucleotide variant.
Coding change: c.1135A>G on transcript NM_004612.4 (MANE Select); coding-DNA position 1135, A replaced by G.
Protein change: p.Met379Val; replaces methionine 379 with valine.
Molecular consequence: missense variant.
Genome position (GRCh38, 1-based): chr9:99,146,489, A>G. VCF-style: chr9-99146489-A-G. GRCh37 (hg19) VCF-style: chr9-101908771-A-G.
Other names: c.904A>G, p.Met302Val (NM_001130916.3); c.1147A>G, p.Met383Val (NM_001306210.2); short protein forms M379V, M302V, M383V.
Identifiers: ClinVar variation 477552 (VCV000477552.13), dbSNP rs1554702207, ClinGen allele CA374232585.

ClinVar aggregate classification (germline): Conflicting classifications of pathogenicity. Review status: criteria provided, conflicting classifications (1 of 4 stars). 4 submissions from 4 submitters: Likely pathogenic (1); Uncertain significance (3). Last evaluated 2024-11-18.

Conditions:
TGFBR1-related disorder. Also called: TGFBR1-related condition.
Familial thoracic aortic aneurysm and aortic dissection (TAAD). Also called: Thoracic aortic aneurysms and dissections. Identifiers: Orphanet 91387, MedGen C4707243, MONDO:0019625.

Allele frequency attached by ClinVar (database versions not stated): gnomAD exomes below 0.00001.
gnomAD v4.1: 1 of 1,613,904 alleles (0.000062%); highest among the groups gnomAD compares: Non-Finnish European, 0.000085%; no homozygotes.

Submissions (4):

Blueprint Genetics
Classification: Likely pathogenic for TGFBR1-related disorders. Last evaluated: 2024-11-18. Review status: criteria provided, single submitter. Criteria: ACMG Guidelines, 2015. Collection method: clinical testing. Allele origin: germline. Affected: yes. Observed: 3 variant alleles.

Ambry Genetics
Classification: Uncertain significance for Familial thoracic aortic aneurysm and aortic dissection. Last evaluated: 2024-10-12. Review status: criteria provided, single submitter. Criteria: Ambry Variant Classification Scheme 2023. Collection method: clinical testing. Allele origin: germline.
Comment: The p.M379V variant (also known as c.1135A>G), located in coding exon 7 of the TGFBR1 gene, results from an A to G substitution at nucleotide position 1135. The methionine at codon 379 is replaced by valine, an amino acid with highly similar properties. This variant was reported in individuals with features consistent with Loeys-Dietz syndrome (LDS) (Sakai H et al. Am J Med Genet A, 2006 Aug;140:1719-25; Khodabakhshian N et al. CJC Pediatr Congenit Heart Dis, 2024 Apr;3:47-54). This amino acid position is highly conserved in available vertebrate species. In addition, this alteration is predicted to be deleterious by in silico analysis. Based on the available evidence, the clinical significance of this variant remains unclear.

CHEO Genetics Diagnostic Laboratory, Children's Hospital of Eastern Ontario
Classification: Uncertain significance for Familial thoracic aortic aneurysm and aortic dissection. Last evaluated: 2021-12-01. Review status: criteria provided, single submitter. Criteria: ACMG Guidelines, 2015. Collection method: clinical testing. Allele origin: germline.

Labcorp Genetics (formerly Invitae), Labcorp
Classification: Uncertain significance for Familial thoracic aortic aneurysm and aortic dissection. Last evaluated: 2017-05-26. Review status: criteria provided, single submitter. Criteria: Invitae Variant Classification Sherloc (09022015). Collection method: clinical testing. Allele origin: germline.
Comment: Algorithms developed to predict the effect of missense changes on protein structure and function do not agree on the potential impact of this missense change (SIFT: "Deleterious"; PolyPhen-2: "Probably Damaging"; Align-GVGD: "Class C0"). In summary, this variant has uncertain impact on TGFBR1 function. The available evidence is currently insufficient to determine its role in disease. Therefore, it has been classified as a Variant of Uncertain Significance. Algorithms developed to predict the effect of sequence changes on RNA splicing suggest that this variant may create or strengthen a splice site, but this prediction has not been confirmed by published transcriptional studies. This variant has been reported in an individual affected with incomplete Marfan syndrome (PMID: 16835936). This variant is not present in population databases (ExAC no frequency). This sequence change replaces methionine with valine at codon 379 of the TGFBR1 protein (p.Met379Val). The methionine residue is highly conserved and there is a small physicochemical difference between methionine and valine.

Literature cited by the submitters: PubMed 16835936 (cited by Ambry Genetics and Labcorp Genetics (formerly Invitae), Labcorp); PubMed 38774681 (cited by Ambry Genetics).